The following is an entry in ClinVar:

ClinVar aggregate classification (germline): Uncertain significance (1 of 4 stars; one submission).

Conditions:
Autosomal dominant epilepsy with auditory features. Identifiers: Orphanet 101046, MedGen C1838062, MONDO:0010898.

Submission:

Labcorp Genetics (formerly Invitae), Labcorp
Classification: Uncertain significance for Autosomal dominant epilepsy with auditory features. Last evaluated: 2020-07-07. Review status: criteria provided, single submitter. Criteria: Invitae Variant Classification Sherloc (09022015). Collection method: clinical testing. Allele origin: germline.
Comment: In summary, the available evidence is currently insufficient to determine the role of this variant in disease. Therefore, it has been classified as a Variant of Uncertain Significance. Algorithms developed to predict the effect of missense changes on protein structure and function (SIFT, PolyPhen-2, Align-GVGD) all suggest that this variant is likely to be disruptive, but these predictions have not been confirmed by published functional studies and their clinical significance is uncertain. This variant has not been reported in the literature in individuals with LGI1-related conditions. This variant is not present in population databases (ExAC no frequency). This sequence change replaces arginine with threonine at codon 171 of the LGI1 protein (p.Arg171Thr). The arginine residue is highly conserved and there is a moderate physicochemical difference between arginine and threonine.

NM_005097.4(LGI1):c.512G>C (p.Arg171Thr)

Gene: LGI1 (leucine rich glioma inactivated 1; plus strand). Cytogenetic location: 10q23.33.
Variant type: single nucleotide variant.
Coding change: c.512G>C on transcript NM_005097.4 (MANE Select); coding-DNA position 512, G replaced by C.
Protein change: p.Arg171Thr; replaces arginine 171 with threonine.
Molecular consequence: missense variant. On other transcripts: non-coding transcript variant (1).
Genome position (GRCh38, 1-based): chr10:93,792,751, G>C. VCF-style: chr10-93792751-G-C. GRCh37 (hg19) VCF-style: chr10-95552508-G-C.
Other names: c.512G>C, p.Arg171Thr (NM_001308275.2); c.368G>C, p.Arg123Thr (NM_001308276.2); short protein forms R123T, R171T.
Identifiers: ClinVar variation 1054942 (VCV001054942.10), dbSNP rs2134020795, ClinGen allele CA377623205.
Genomic context (GRCh38, chr10:93,792,751, plus strand): 5'-CTGCGTGGGTAGGGCCCTTGTACAGCAAAAGCAGCTGAAGTTTGTCTTTCAGGGACCTGA[G>C]GGGTAATTCATTTAATTGTGACTGTAAACTGAAATGGCTAGTGGAATGGCTTGGCCACAC-3'
Protein context (NP_005088.1, residues 161-181): GLDSLTNVDL[Arg171Thr]GNSFNCDCKL